The following is an entry in ClinVar:

ClinVar aggregate classification (germline): Uncertain significance. Review status: criteria provided, multiple submitters, no conflicts (2 of 4 stars). 2 submissions from 2 submitters: Uncertain significance (2). Last evaluated 2026-03-12.

Conditions:
Hereditary cancer-predisposing syndrome. Also called: Neoplastic Syndromes, Hereditary; Hereditary neoplastic syndrome; Tumor predisposition; Hereditary Cancer Syndrome. Identifiers: Orphanet 140162, MedGen C0027672, MeSH D009386, MONDO:0015356.

Submissions (2):

Ambry Genetics
Classification: Uncertain significance for Hereditary cancer-predisposing syndrome. Last evaluated: 2026-03-12. Review status: criteria provided, single submitter. Criteria: Ambry Variant Classification Scheme 2023. Collection method: clinical testing. Allele origin: germline.
Comment: The p.E1082V variant (also known as c.3245A>T), located in coding exon 21 of the RAD50 gene, results from an A to T substitution at nucleotide position 3245. The glutamic acid at codon 1082 is replaced by valine, an amino acid with dissimilar properties. This amino acid position is conserved. In addition, this alteration is predicted to be deleterious by in silico analysis. Based on the available evidence, the clinical significance of this variant remains unclear.

Labcorp Genetics (formerly Invitae), Labcorp
Classification: Uncertain significance for Hereditary cancer-predisposing syndrome. Last evaluated: 2025-04-23. Review status: criteria provided, single submitter. Criteria: Invitae Variant Classification Sherloc (09022015). Collection method: clinical testing. Allele origin: germline.
Comment: This sequence change replaces glutamic acid, which is acidic and polar, with valine, which is neutral and non-polar, at codon 1082 of the RAD50 protein (p.Glu1082Val). This variant is not present in population databases (gnomAD no frequency). This variant has not been reported in the literature in individuals affected with RAD50-related conditions. Invitae Evidence Modeling of protein sequence and biophysical properties (such as structural, functional, and spatial information, amino acid conservation, physicochemical variation, residue mobility, and thermodynamic stability) has been performed for this missense variant. However, the output from this modeling did not meet the statistical confidence thresholds required to predict the impact of this variant on RAD50 protein function. In summary, the available evidence is currently insufficient to determine the role of this variant in disease. Therefore, it has been classified as a Variant of Uncertain Significance.

NM_005732.4(RAD50):c.3245A>T (p.Glu1082Val)

Gene: RAD50 (RAD50 double strand break repair protein; plus strand). Cytogenetic location: 5q31.1.
Variant type: single nucleotide variant.
Coding change: c.3245A>T on transcript NM_005732.4 (MANE Select); coding-DNA position 3245, A replaced by T.
Protein change: p.Glu1082Val; replaces glutamic acid 1082 with valine.
Molecular consequence: missense variant.
Genome position (GRCh38, 1-based): chr5:132,618,150, A>T. VCF-style: chr5-132618150-A-T. GRCh37 (hg19) VCF-style: chr5-131953842-A-T.
Other names: c.3245A>T (NM_005732.3); short protein forms E1082V.
Identifiers: ClinVar variation 4811952 (VCV004811952.2).